The following is an entry in ClinVar:

NM_001204.7(BMPR2):c.3044C>G (p.Thr1015Ser)

Gene: BMPR2 (bone morphogenetic protein receptor type 2; plus strand). Cytogenetic location: 2q33.2.
Variant type: single nucleotide variant.
Coding change: c.3044C>G on transcript NM_001204.7 (MANE Select); coding-DNA position 3044, C replaced by G.
Protein change: p.Thr1015Ser; replaces threonine 1015 with serine.
Molecular consequence: missense variant.
Genome position (GRCh38, 1-based): chr2:202,559,873, C>G. VCF-style: chr2-202559873-C-G. GRCh37 (hg19) VCF-style: chr2-203424596-C-G.
Other names: short protein forms T1015S.
Identifiers: ClinVar variation 4843369 (VCV004843369.1).
Genomic context (GRCh38, chr2:202,559,873, plus strand): 5'-CGCTGGACTGTGAAGTCAACAATAATGGCAGTAACAGGGCAGTTCATTCCAAATCCAGCA[C>G]TGCTGTTTACCTTGCAGAAGGAGGCACTGCTACAACCATGGTGTCTAAAGATATAGGAAT-3'
Protein context (NP_001195.2, residues 1005-1025): SNRAVHSKSS[Thr1015Ser]AVYLAEGGTA

ClinVar aggregate classification (germline): Uncertain significance (1 of 4 stars; one submission).

Conditions:
Inborn genetic diseases. Identifiers: MedGen C0950123, MeSH D030342.

Submission:

Ambry Genetics
Classification: Uncertain significance for Inborn genetic diseases. Last evaluated: 2025-12-27. Review status: criteria provided, single submitter. Criteria: Ambry Variant Classification Scheme 2023. Collection method: clinical testing. Allele origin: germline.
Comment: The p.T1015S variant (also known as c.3044C>G), located in coding exon 13 of the BMPR2 gene, results from a C to G substitution at nucleotide position 3044. The threonine at codon 1015 is replaced by serine, an amino acid with similar properties. This amino acid position is conserved. In addition, this alteration is predicted to be tolerated by in silico analysis. Based on the available evidence, the clinical significance of this variant remains unclear.